The following is an entry in ClinVar:

ClinVar aggregate classification (germline): Uncertain significance. Review status: criteria provided, multiple submitters, no conflicts (2 of 4 stars). 2 submissions from 2 submitters: Uncertain significance (2). Last evaluated 2024-09-26.

Allele frequency attached by ClinVar (database versions not stated): gnomAD 0.00001; gnomAD exomes 0.00001 and 0.00002; ExAC 0.00002; TOPMed 0.00006.
gnomAD v4.1: 11 of 1,613,900 alleles (0.00068%); highest among the groups gnomAD compares: Admixed American, 0.01%; no homozygotes.

Submissions (2):

Ambry Genetics
Classification: Uncertain significance. Last evaluated: 2024-09-26. Review status: criteria provided, single submitter. Criteria: Ambry Variant Classification Scheme 2023. Collection method: clinical testing. Allele origin: germline.

Labcorp Genetics (formerly Invitae), Labcorp
Classification: Uncertain significance. Last evaluated: 2022-08-09. Review status: criteria provided, single submitter. Criteria: Invitae Variant Classification Sherloc (09022015). Collection method: clinical testing. Allele origin: germline.
Comment: This sequence change replaces threonine, which is neutral and polar, with alanine, which is neutral and non-polar, at codon 251 of the C8A protein (p.Thr251Ala). This variant is present in population databases (rs771770120, gnomAD 0.01%). This variant has not been reported in the literature in individuals affected with C8A-related conditions. ClinVar contains an entry for this variant (Variation ID: 1407536). Algorithms developed to predict the effect of missense changes on protein structure and function are either unavailable or do not agree on the potential impact of this missense change (SIFT: "Deleterious"; PolyPhen-2: "Benign"; Align-GVGD: "Class C0"). In summary, the available evidence is currently insufficient to determine the role of this variant in disease. Therefore, it has been classified as a Variant of Uncertain Significance.

NM_000562.3(C8A):c.751A>G (p.Thr251Ala)

Gene: C8A (complement C8 alpha chain; plus strand). Cytogenetic location: 1p32.2.
Variant type: single nucleotide variant.
Coding change: c.751A>G on transcript NM_000562.3 (MANE Select); coding-DNA position 751, A replaced by G.
Protein change: p.Thr251Ala; replaces threonine 251 with alanine.
Molecular consequence: missense variant.
Genome position (GRCh38, 1-based): chr1:56,883,577, A>G. VCF-style: chr1-56883577-A-G. GRCh37 (hg19) VCF-style: chr1-57349250-A-G.
Other names: c.751A>G (NM_000562.2); short protein forms T251A.
Identifiers: ClinVar variation 1407536 (VCV001407536.4), dbSNP rs771770120, ClinGen allele CA875148.
Genomic context (GRCh38, chr1:56,883,577, plus strand): 5'-GATAATGCAAATGACCTTCTTTCCAAAGTTAAAAAAGACAAGTCTGACTCATTTGGAGTG[A>G]CCATCGGCATAGGCCCAGCCGGCAGCCCTTTATTGGTGGGTGTAGGTGTATCCCACTCAC-3'
Protein context (NP_000553.1, residues 241-261): KKDKSDSFGV[Thr251Ala]IGIGPAGSPL